The following is an entry in ClinVar:

ClinVar aggregate classification (germline): Uncertain significance. Review status: criteria provided, multiple submitters, no conflicts (2 of 4 stars). 3 submissions from 3 submitters: Uncertain significance (3). Last evaluated 2026-05-01.

Conditions:
Familial hemiplegic migraine. Identifiers: MedGen C0338484, MONDO:0000700.

gnomAD v4.1: 4 of 1,614,132 alleles (0.00025%); highest among the groups gnomAD compares: Admixed American, 0.005%; no homozygotes.

Submissions (3):

CeGaT Center for Human Genetics Tuebingen
Classification: Uncertain significance. Last evaluated: 2026-05-01. Review status: criteria provided, single submitter. Criteria: CeGaT Center For Human Genetics Tuebingen Variant Classification Criteria Version 2. Collection method: clinical testing. Allele origin: germline. Affected: yes. Observed: 1 variant allele.
Comment: ATP1A2: PM2

GeneDx
Classification: Uncertain significance. Last evaluated: 2024-08-06. Review status: criteria provided, single submitter. Criteria: GeneDx Variant Classification Process June 2021. Collection method: clinical testing. Allele origin: germline. Affected: yes.
Comment: In silico analysis indicates that this missense variant does not alter protein structure/function; Has not been previously published as pathogenic or benign to our knowledge

Labcorp Genetics (formerly Invitae), Labcorp
Classification: Uncertain significance for Familial hemiplegic migraine. Last evaluated: 2023-08-23. Review status: criteria provided, single submitter. Criteria: Invitae Variant Classification Sherloc (09022015). Collection method: clinical testing. Allele origin: germline.
Comment: This variant has not been reported in the literature in individuals affected with ATP1A2-related conditions. In summary, the available evidence is currently insufficient to determine the role of this variant in disease. Therefore, it has been classified as a Variant of Uncertain Significance. Advanced modeling of protein sequence and biophysical properties (such as structural, functional, and spatial information, amino acid conservation, physicochemical variation, residue mobility, and thermodynamic stability) performed at Invitae indicates that this missense variant is not expected to disrupt ATP1A2 protein function. ClinVar contains an entry for this variant (Variation ID: 1442146). This variant is present in population databases (no rsID available, gnomAD 0.006%). This sequence change replaces threonine, which is neutral and polar, with lysine, which is basic and polar, at codon 577 of the ATP1A2 protein (p.Thr577Lys).

NM_000702.4(ATP1A2):c.1730C>A (p.Thr577Lys)

Gene: ATP1A2 (ATPase Na+/K+ transporting subunit alpha 2; plus strand). Cytogenetic location: 1q23.2.
Variant type: single nucleotide variant.
Coding change: c.1730C>A on transcript NM_000702.4 (MANE Select); coding-DNA position 1730, C replaced by A.
Protein change: p.Thr577Lys; replaces threonine 577 with lysine.
Molecular consequence: missense variant.
Genome position (GRCh38, 1-based): chr1:160,130,500, C>A. VCF-style: chr1-160130500-C-A. GRCh37 (hg19) VCF-style: chr1-160100290-C-A.
Other names: c.1730C>A (NM_000702.3); short protein forms T577K.
Identifiers: ClinVar variation 1442146 (VCV001442146.9), dbSNP rs747886840, ClinGen allele CA31498012.
Genomic context (GRCh38, chr1:160,130,500, plus strand): 5'-TGCCATCTGGAAAGTTTCCTCGGGGCTTCAAATTCGACACGGATGAGCTGAACTTTCCCA[C>A]GGAGAAGCTTTGCTTTGTGGGGCTCATGTCTATGATTGACCCTCCCCGGGCTGCTGTGCC-3'
Protein context (NP_000693.1, residues 567-587): KFDTDELNFP[Thr577Lys]EKLCFVGLMS